The following is an entry in ClinVar:

ClinVar aggregate classification (germline): Uncertain significance. Review status: criteria provided, multiple submitters, no conflicts (2 of 4 stars). 2 submissions from 2 submitters: Uncertain significance (2). Last evaluated 2025-09-05.

Allele frequency attached by ClinVar (database versions not stated): TOPMed 0.00003; gnomAD 0.00004; gnomAD exomes below 0.00001; ExAC 0.00002; ESP Exome Variant Server 0.00008.
gnomAD v4.1: 7 of 1,613,908 alleles (0.00043%); highest among the groups gnomAD compares: African/African-American, 0.0067%; no homozygotes.

Submissions (2):

Labcorp Genetics (formerly Invitae), Labcorp
Classification: Uncertain significance. Last evaluated: 2025-09-05. Review status: criteria provided, single submitter. Criteria: Invitae Variant Classification Sherloc (09022015). Collection method: clinical testing. Allele origin: germline.
Comment: This sequence change replaces arginine, which is basic and polar, with lysine, which is basic and polar, at codon 761 of the IL12RB2 protein (p.Arg761Lys). This variant is present in population databases (rs143014031, gnomAD 0.01%). This variant has not been reported in the literature in individuals affected with IL12RB2-related conditions. ClinVar contains an entry for this variant (Variation ID: 2093258). An algorithm developed to predict the effect of missense changes on protein structure and function (PolyPhen-2) suggests that this variant is likely to be tolerated. In summary, the available evidence is currently insufficient to determine the role of this variant in disease. Therefore, it has been classified as a Variant of Uncertain Significance.

Ambry Genetics
Classification: Uncertain significance. Last evaluated: 2025-05-05. Review status: criteria provided, single submitter. Criteria: Ambry Variant Classification Scheme 2023. Collection method: clinical testing. Allele origin: germline.

NM_001374259.2(IL12RB2):c.2282G>A (p.Arg761Lys)

Gene: IL12RB2 (interleukin 12 receptor subunit beta 2; plus strand). Cytogenetic location: 1p31.3.
Variant type: single nucleotide variant.
Coding change: c.2282G>A on transcript NM_001374259.2 (MANE Select); coding-DNA position 2282, G replaced by A.
Protein change: p.Arg761Lys; replaces arginine 761 with lysine.
Molecular consequence: missense variant. On other transcripts: 3 prime UTR variant (3), non-coding transcript variant (2).
Genome position (GRCh38, 1-based): chr1:67,395,782, G>A. VCF-style: chr1-67395782-G-A. GRCh37 (hg19) VCF-style: chr1-67861465-G-A.
Other names: c.*202G>A (NM_001258214.1, NM_001319233.1); c.2024G>A, p.Arg675Lys (NM_001258215.1); c.*183G>A (NM_001258216.1); c.2282G>A, p.Arg761Lys (NM_001559.3); c.2282G>A (NM_001559.2); short protein forms R761K, R675K.
Identifiers: ClinVar variation 2093258 (VCV002093258.5), dbSNP rs143014031, ClinGen allele CA900702.